The following is an entry in ClinVar:

NM_001127178.3(PIGG):c.2374G>A (p.Val792Ile)

Gene: PIGG (phosphatidylinositol glycan anchor biosynthesis class G (EMM blood group); plus strand). Cytogenetic location: 4p16.3.
Variant type: single nucleotide variant.
Coding change: c.2374G>A on transcript NM_001127178.3 (MANE Select); coding-DNA position 2374, G replaced by A.
Protein change: p.Val792Ile; replaces valine 792 with isoleucine.
Molecular consequence: missense variant. On other transcripts: non-coding transcript variant (6).
Genome position (GRCh38, 1-based): chr4:530,548, G>A. VCF-style: chr4-530548-G-A. GRCh37 (hg19) VCF-style: chr4-524337-G-A.
Other names: c.2107G>A, p.Val703Ile (NM_001289051.2, NM_001345986.2); c.1975G>A, p.Val659Ile (NM_001289052.2); c.2083G>A, p.Val695Ile (NM_001345987.2); c.1345G>A, p.Val449Ile (NM_001345988.2); c.841G>A, p.Val281Ile (NM_001345990.2, NM_001345991.2); c.1276G>A, p.Val426Ile (NM_001345994.2); c.2350G>A, p.Val784Ile (NM_017733.5); short protein forms V281I, V426I, V449I, V659I, V695I, V703I, V784I, V792I.
Identifiers: ClinVar variation 4082660 (VCV004082660.1).

ClinVar aggregate classification (germline): Uncertain significance (1 of 4 stars; one submission).

gnomAD v4.1: 1 of 1,613,544 alleles (0.000062%); highest among the groups gnomAD compares: Non-Finnish European, 0.000085%; no homozygotes.

Submission:

GeneDx
Classification: Uncertain significance. Last evaluated: 2025-03-03. Review status: criteria provided, single submitter. Criteria: GeneDx Variant Classification Process June 2021. Collection method: clinical testing. Allele origin: germline. Affected: yes.
Comment: Not observed at significant frequency in large population cohorts (gnomAD); In silico analysis indicates that this missense variant does not alter protein structure/function; Has not been previously published as pathogenic or benign to our knowledge